The following is an entry in ClinVar:

ClinVar aggregate classification (germline): Likely benign. Review status: criteria provided, multiple submitters, no conflicts (2 of 4 stars). 5 submissions from 5 submitters: Likely benign (5). Last evaluated 2025-02-17.

Conditions:
Inborn genetic diseases. Identifiers: MedGen C0950123, MeSH D030342.
Early-infantile DEE. Also called: Ohtahara syndrome; Early infantile epileptic encephalopathy with suppression bursts; Early infantile epileptic encephalopathy. Identifiers: Orphanet 1934, MedGen C0393706, MONDO:0800491.

Allele frequency attached by ClinVar (database versions not stated): TOPMed 0.00003; gnomAD 0.00004; ExAC 0.00006; ESP Exome Variant Server 0.00015.
gnomAD v4.1: 95 of 1,612,018 alleles (0.0059%); highest among the groups gnomAD compares: South Asian, 0.038%; 1 homozygote.

Submissions (5):

Labcorp Genetics (formerly Invitae), Labcorp
Classification: Likely benign for Early-infantile DEE. Last evaluated: 2025-02-17. Review status: criteria provided, single submitter. Criteria: Invitae Variant Classification Sherloc (09022015). Collection method: clinical testing. Allele origin: germline.

Blueprint Genetics
Classification: Likely benign. Last evaluated: 2024-11-17. Review status: criteria provided, single submitter. Criteria: ACMG Guidelines, 2015. Collection method: clinical testing. Allele origin: germline.

CeGaT Center for Human Genetics Tuebingen
Classification: Likely benign. Last evaluated: 2023-06-01. Review status: criteria provided, single submitter. Criteria: CeGaT Center For Human Genetics Tuebingen Variant Classification Criteria Version 2. Collection method: clinical testing. Allele origin: germline. Affected: yes. Observed: 3 variant alleles.
Comment: KCNQ2: BP4, BP7

Ambry Genetics
Classification: Likely benign for Inborn genetic diseases. Last evaluated: 2020-01-17. Review status: criteria provided, single submitter. Criteria: Ambry Variant Classification Scheme 2023. Collection method: clinical testing. Allele origin: germline.

GeneDx
Classification: Likely benign. Last evaluated: 2018-08-13. Review status: criteria provided, single submitter. Criteria: GeneDx Variant Classification Process June 2021. Collection method: clinical testing. Allele origin: germline. Affected: yes.

NM_172107.4(KCNQ2):c.918G>A (p.Ala306=)

Gene: KCNQ2 (potassium voltage-gated channel subfamily Q member 2; minus strand). Cytogenetic location: 20q13.33.
Variant type: single nucleotide variant.
Coding change: c.918G>A on transcript NM_172107.4 (MANE Select); coding-DNA position 918, G replaced by A.
Protein change: p.Ala306=; no amino-acid change (alanine 306 retained).
Molecular consequence: synonymous variant.
Genome position (GRCh38, 1-based): chr20:63,439,607, C>T on the plus strand (G>A on the coding strand, the complement: KCNQ2 is on the minus strand). VCF-style: chr20-63439607-C-T. GRCh37 (hg19) VCF-style: chr20-62070960-C-T.
Other names: c.918G>A, p.Ala306= (NM_004518.6, NM_172106.3, NM_172108.5 and 1 more transcripts).
Identifiers: ClinVar variation 809270 (VCV000809270.55), dbSNP rs370777198, ClinGen allele CA9958701.
Genomic context (GRCh38, chr20:63,439,607, plus strand): 5'-GCCTACAAGACCTCGTCCCCCTCCAAGGCAGGCAGGGGCAGCTGGACTTACTGCAGGCAG[C>T]GCGAAGAAGGAGACACCGATGAGGGTGAAGGTTGCCGCAAGGAGCCTGCCGTTCCAGGTC-3'
Protein context (NP_742105.1, residues 296-316): TFTLIGVSFF[Ala306=]LPAGILGSGF